The following is an entry in ClinVar:

NM_001145358.2(SIN3A):c.634C>G (p.Pro212Ala)

Gene: SIN3A (SIN3 transcription regulator family member A; minus strand). Cytogenetic location: 15q24.2.
Variant type: single nucleotide variant.
Coding change: c.634C>G on transcript NM_001145358.2 (MANE Select); coding-DNA position 634, C replaced by G.
Protein change: p.Pro212Ala; replaces proline 212 with alanine.
Molecular consequence: missense variant.
Genome position (GRCh38, 1-based): chr15:75,412,885, G>C on the plus strand (C>G on the coding strand, the complement: SIN3A is on the minus strand). VCF-style: chr15-75412885-G-C. GRCh37 (hg19) VCF-style: chr15-75705226-G-C.
Other names: c.634C>G, p.Pro212Ala (NM_001145357.2, NM_015477.3); short protein forms P212A.
Identifiers: ClinVar variation 2130642 (VCV002130642.4), dbSNP rs139541749, ClinGen allele CA393450704.

ClinVar aggregate classification (germline): Uncertain significance (1 of 4 stars; one submission).

Submission:

Labcorp Genetics (formerly Invitae), Labcorp
Classification: Uncertain significance. Last evaluated: 2024-01-19. Review status: criteria provided, single submitter. Criteria: Invitae Variant Classification Sherloc (09022015). Collection method: clinical testing. Allele origin: germline.
Comment: This sequence change replaces proline, which is neutral and non-polar, with alanine, which is neutral and non-polar, at codon 212 of the SIN3A protein (p.Pro212Ala). This variant is not present in population databases (gnomAD no frequency). This variant has not been reported in the literature in individuals affected with SIN3A-related conditions. ClinVar contains an entry for this variant (Variation ID: 2130642). Advanced modeling of protein sequence and biophysical properties (such as structural, functional, and spatial information, amino acid conservation, physicochemical variation, residue mobility, and thermodynamic stability) performed at Invitae indicates that this missense variant is not expected to disrupt SIN3A protein function with a negative predictive value of 80%. In summary, the available evidence is currently insufficient to determine the role of this variant in disease. Therefore, it has been classified as a Variant of Uncertain Significance.